The following is an entry in ClinVar:

NM_001395058.1(MYO15B):c.2943G>A (p.Val981=)

Gene: MYO15B (myosin XVB; plus strand). Cytogenetic location: 17q25.1.
Variant type: single nucleotide variant.
Coding change: c.2943G>A on transcript NM_001395058.1 (MANE Select); coding-DNA position 2943, G replaced by A.
Protein change: p.Val981=; no amino-acid change (valine 981 retained).
Molecular consequence: synonymous variant.
Genome position (GRCh38, 1-based): chr17:75,592,792, G>A. VCF-style: chr17-75592792-G-A. GRCh37 (hg19) VCF-style: chr17-73588873-G-A.
Other names: c.2829G>A, p.Val943= (NM_001309242.2).
Identifiers: ClinVar variation 2648269 (VCV002648269.24), dbSNP rs1393056440, ClinGen allele CA775089381.

ClinVar aggregate classification (germline): Likely benign (1 of 4 stars; one submission).

Allele frequency attached by ClinVar (database versions not stated): TOPMed below 0.00001; gnomAD 0.00001.
gnomAD v4.1: 1 of 702,730 alleles (0.00014%); highest among the groups gnomAD compares: Non-Finnish European, 0.00026%; no homozygotes.

Submission:

CeGaT Center for Human Genetics Tuebingen
Classification: Likely benign. Last evaluated: 2022-06-01. Review status: criteria provided, single submitter. Criteria: CeGaT Center For Human Genetics Tuebingen Variant Classification Criteria Version 2. Collection method: clinical testing. Allele origin: germline. Affected: yes. Observed: 1 variant allele.
Comment: MYO15B: BP4, BP7